The following is an entry in ClinVar:

ClinVar aggregate classification (germline): Pathogenic (1 of 4 stars; one submission).

Submission:

Mayo Clinic Laboratories, Mayo Clinic
Classification: Pathogenic. Last evaluated: 2022-11-22. Review status: criteria provided, single submitter. Criteria: ACMG Guidelines, 2015. Collection method: clinical testing. Allele origin: germline. Observed: 1 variant allele.
Comment: PP4, PS4_moderate, PVS1

Literature cited by the submitters: PubMed 23012243; PubMed 27589204; PubMed 30877237.

NM_000535.7(PMS2):c.2174+1133_*93del

Gene: PMS2 (PMS1 homolog 2, mismatch repair system component; minus strand). Cytogenetic location: 7p22.1.
Variant type: Deletion.
Coding change: c.2174+1133_*93del on transcript NM_000535.7 (MANE Select); 1133 bases into the intron after coding-DNA position 2174 through 93 bases downstream of the stop codon, 8,386 bases deleted.
Molecular consequence: splice acceptor variant, splice donor variant.
Genome position (GRCh38, 1-based): chr7:5,973,306-5,981,691, 8,386 bases deleted. GRCh37 (hg19): chr7:6,012,937-6,021,322.
Other names: p.?; c.1856+1133_*93del (NM_001322008.2, NM_001406883.1, NM_001322007.2 and 1 more transcripts); c.1865+1133_*93del (NM_001406881.1, NM_001406879.1, NM_001322015.2 and 5 more transcripts); c.1769+1133_*93del (NM_001406895.1, NM_001322004.2, NM_001406889.1 and 14 more transcripts); c.1403+1133_*93del (NM_001406911.1); c.1613+1133_*93del (NM_001322010.2, NM_001406906.1, NM_001406907.1); c.1700+1133_*93del (NM_001406902.1, NM_001406901.1); c.1661+1133_*93del (NM_001406904.1, NM_001406905.1); and 18 more.
Identifiers: ClinVar variation 2682828 (VCV002682828.1), ClinGen allele CA2697553813.